The following is an entry in ClinVar:

NM_000136.3(FANCC):c.-73A>T

Gene: FANCC (FA complementation group C; minus strand). Cytogenetic location: 9q22.32.
Variant type: single nucleotide variant.
Coding change: c.-73A>T on transcript NM_000136.3 (MANE Select); 73 bases upstream of the start codon, A replaced by T.
Molecular consequence: 5 prime UTR variant.
Genome position (GRCh38, 1-based): chr9:95,249,364, T>A on the plus strand (A>T on the coding strand, the complement: FANCC is on the minus strand). VCF-style: chr9-95249364-T-A. GRCh37 (hg19) VCF-style: chr9-98011646-T-A.
Other names: c.-73A>T (NM_001243743.2, NM_001243744.2).
Identifiers: ClinVar variation 1035089 (VCV001035089.8), dbSNP rs1831191027, ClinGen allele CA1865515611.

ClinVar aggregate classification (germline): Uncertain significance (1 of 4 stars; one submission).

Conditions:
Fanconi anemia (FA). Also called: Fanconi's anemia. Identifiers: Orphanet 84, MedGen C0015625, MeSH D005199, MONDO:0019391.

Submission:

Labcorp Genetics (formerly Invitae), Labcorp
Classification: Uncertain significance for Fanconi anemia. Last evaluated: 2020-04-13. Review status: criteria provided, single submitter. Criteria: Invitae Variant Classification Sherloc (09022015). Collection method: clinical testing. Allele origin: germline.
Comment: In summary, the available evidence is currently insufficient to determine the role of this variant in disease. Therefore, it has been classified as a Variant of Uncertain Significance. Experimental studies and prediction algorithms are not available for this variant, and the functional significance of this non-coding change is currently unknown. This variant has not been reported in the literature in individuals with FANCC-related conditions. This variant occurs in a non-coding region of the FANCC gene. It does not change the encoded amino acid sequence of the FANCC protein.